The following is an entry in ClinVar:

NM_002692.4(POLE2):c.1049G>A (p.Cys350Tyr)

Gene: POLE2 (DNA polymerase epsilon 2, accessory subunit; minus strand). Cytogenetic location: 14q21.3.
Variant type: single nucleotide variant.
Coding change: c.1049G>A on transcript NM_002692.4 (MANE Select); coding-DNA position 1049, G replaced by A.
Protein change: p.Cys350Tyr; replaces cysteine 350 with tyrosine.
Molecular consequence: missense variant.
Genome position (GRCh38, 1-based): chr14:49,654,808, C>T on the plus strand (G>A on the coding strand, the complement: POLE2 is on the minus strand). VCF-style: chr14-49654808-C-T. GRCh37 (hg19) VCF-style: chr14-50121526-C-T.
Other names: c.971G>A, p.Cys324Tyr (NM_001197330.2); c.1049G>A, p.Cys350Tyr (NM_001197331.3, NM_001348384.2); c.818G>A, p.Cys273Tyr (NM_001348385.2); c.1049G>A (NM_002692.3); short protein forms C324Y, C350Y, C273Y.
Identifiers: ClinVar variation 1480521 (VCV001480521.8), dbSNP rs201728008, ClinGen allele CA7173396.

ClinVar aggregate classification (germline): Uncertain significance. Review status: criteria provided, multiple submitters, no conflicts (2 of 4 stars). 2 submissions from 2 submitters: Uncertain significance (2). Last evaluated 2025-11-23.

Allele frequency attached by ClinVar (database versions not stated): ExAC 0.00005; gnomAD exomes 0.00005; gnomAD 0.00014 and 0.00016; 1000 Genomes Project 30x 0.00016; ESP Exome Variant Server 0.00016; 1000 Genomes Project 0.00020; TOPMed 0.00023.
gnomAD v4.1: 62 of 1,482,698 alleles (0.0042%); highest among the groups gnomAD compares: Middle Eastern, 0.072%; no homozygotes.

Submissions (2):

Labcorp Genetics (formerly Invitae), Labcorp
Classification: Uncertain significance. Last evaluated: 2025-11-23. Review status: criteria provided, single submitter. Criteria: Invitae Variant Classification Sherloc (09022015). Collection method: clinical testing. Allele origin: germline.
Comment: This sequence change replaces cysteine, which is neutral and slightly polar, with tyrosine, which is neutral and polar, at codon 350 of the POLE2 protein (p.Cys350Tyr). This variant is present in population databases (rs201728008, gnomAD 0.05%). This variant has not been reported in the literature in individuals affected with POLE2-related conditions. ClinVar contains an entry for this variant (Variation ID: 1480521). An algorithm developed to predict the effect of missense changes on protein structure and function (PolyPhen-2) suggests that this variant is likely to be tolerated. In summary, the available evidence is currently insufficient to determine the role of this variant in disease. Therefore, it has been classified as a Variant of Uncertain Significance.

Ambry Genetics
Classification: Uncertain significance. Last evaluated: 2024-07-25. Review status: criteria provided, single submitter. Criteria: Ambry Variant Classification Scheme 2023. Collection method: clinical testing. Allele origin: germline.